The following is an entry in ClinVar:

ClinVar aggregate classification (germline): Likely benign. Review status: criteria provided, multiple submitters, no conflicts (2 of 4 stars). 5 submissions from 5 submitters: Likely benign (5). Last evaluated 2025-07-10.

Conditions:
Hereditary cancer-predisposing syndrome. Also called: Hereditary Cancer Syndrome; Tumor predisposition; Hereditary neoplastic syndrome; Neoplastic Syndromes, Hereditary. Identifiers: Orphanet 140162, MedGen C0027672, MeSH D009386, MONDO:0015356.
Breast-ovarian cancer, familial, susceptibility to, 3. Also called: RAD51C-Related Breast/Ovarian Cancer. Identifiers: Orphanet 145, MedGen C3150659, MONDO:0013253, OMIM 613399.
Fanconi anemia complementation group O. Also called: RAD51C-Related Fanconi Anemia. Identifiers: Orphanet 84, MedGen C3150653, MONDO:0013248, OMIM 613390.

Allele frequency attached by ClinVar (database versions not stated): gnomAD 0.00001; gnomAD exomes 0.00001; TOPMed 0.00001.
gnomAD v4.1: 17 of 1,608,346 alleles (0.0011%); highest among the groups gnomAD compares: Non-Finnish European, 0.0014%; no homozygotes.

Submissions (5):

Labcorp Genetics (formerly Invitae), Labcorp
Classification: Likely benign for Fanconi anemia complementation group O. Last evaluated: 2025-07-10. Review status: criteria provided, single submitter. Criteria: Invitae Variant Classification Sherloc (09022015). Collection method: clinical testing. Allele origin: germline.

Myriad Genetics, Inc.
Classification: Likely benign for Breast-ovarian cancer, familial, susceptibility to, 3. Last evaluated: 2025-02-18. Review status: criteria provided, single submitter. Criteria: Myriad Autosomal Dominant, Autosomal Recessive and X-Linked Classification Criteria (2023). Collection method: clinical testing. Allele origin: unknown.
Comment: This variant is considered likely benign. This variant is intronic and is not expected to impact mRNA splicing.

Blueprint Genetics
Classification: Likely benign. Last evaluated: 2023-10-05. Review status: criteria provided, single submitter. Criteria: ACMG Guidelines, 2015. Collection method: clinical testing. Allele origin: germline.

Color Diagnostics, LLC DBA Color Health
Classification: Likely benign for Hereditary cancer-predisposing syndrome. Last evaluated: 2017-11-23. Review status: criteria provided, single submitter. Criteria: ACMG Guidelines, 2015. Collection method: clinical testing. Allele origin: germline.

GeneDx
Classification: Likely benign. Last evaluated: 2017-02-22. Review status: criteria provided, single submitter. Criteria: GeneDx Variant Classification (06012015). Collection method: clinical testing. Allele origin: germline. Affected: yes.
Comment: This variant is considered likely benign or benign based on one or more of the following criteria: it is a conservative change, it occurs at a poorly conserved position in the protein, it is predicted to be benign by multiple in silico algorithms, and/or has population frequency not consistent with disease.

NM_058216.3(RAD51C):c.572-20A>C

Gene: RAD51C (RAD51 paralog C; plus strand). Cytogenetic location: 17q22.
Variant type: single nucleotide variant.
Coding change: c.572-20A>C on transcript NM_058216.3 (MANE Select); 20 bases into the intron before coding-DNA position 572, A replaced by C.
Molecular consequence: intron variant.
Genome position (GRCh38, 1-based): chr17:58,703,176, A>C. VCF-style: chr17-58703176-A-C. GRCh37 (hg19) VCF-style: chr17-56780537-A-C.
Other names: c.572-20A>C (LRG_314t1).
Identifiers: ClinVar variation 516564 (VCV000516564.13), dbSNP rs933464572, ClinGen allele CA292054638.